The following is an entry in ClinVar:

ClinVar aggregate classification (germline): Uncertain significance. Review status: criteria provided, multiple submitters, no conflicts (2 of 4 stars). 6 submissions from 6 submitters: Uncertain significance (6). Last evaluated 2023-05-01.

Conditions:
Cardiovascular phenotype. Identifiers: MedGen CN230736.

Allele frequency attached by ClinVar (database versions not stated): ESP Exome Variant Server 0.00008; gnomAD 0.00008 and 0.00009; TOPMed 0.00008.
gnomAD v4.1: 19 of 1,613,300 alleles (0.0012%); highest among the groups gnomAD compares: African/African-American, 0.024%; no homozygotes.

Submissions (6):

Mayo Clinic Laboratories, Mayo Clinic
Classification: Uncertain significance. Last evaluated: 2023-05-01. Review status: criteria provided, single submitter. Criteria: ACMG Guidelines, 2015. Collection method: clinical testing. Allele origin: germline. Observed: 1 variant allele.
Comment: BP4

Revvity Omics, Revvity
Classification: Uncertain significance. Last evaluated: 2022-06-10. Review status: criteria provided, single submitter. Criteria: ACMG Guidelines, 2015. Collection method: clinical testing. Allele origin: germline.

Blueprint Genetics
Classification: Uncertain significance. Last evaluated: 2020-08-17. Review status: criteria provided, single submitter. Criteria: ACMG Guidelines, 2015. Collection method: clinical testing. Allele origin: germline.

Ambry Genetics
Classification: Uncertain significance for Cardiovascular phenotype. Last evaluated: 2019-08-13. Review status: criteria provided, single submitter. Criteria: Ambry Variant Classification Scheme 2023. Collection method: clinical testing. Allele origin: germline.
Comment: The p.I16618V variant (also known as c.49852A>G), located in coding exon 153 of the TTN gene, results from an A to G substitution at nucleotide position 49852. The isoleucine at codon 16618 is replaced by valine, an amino acid with highly similar properties. This amino acid position is well conserved in available vertebrate species; however, valine is the reference amino acid in other vertebrate species. In addition, this alteration is predicted to be tolerated by in silico analysis. Since supporting evidence is limited at this time, the clinical significance of this alteration remains unclear.

GeneDx
Classification: Uncertain significance. Last evaluated: 2019-04-02. Review status: criteria provided, single submitter. Criteria: GeneDx Variant Classification Process June 2021. Collection method: clinical testing. Allele origin: germline. Affected: yes.
Comment: Has not been previously published as pathogenic or benign to our knowledge; Not observed at a significant frequency in large population cohorts (Lek et al., 2016); In silico analysis, which includes splice predictors and evolutionary conservation, supports that this variant does not alter protein structure/function; Located in the A-band of the titin protein, where the majority of pathogenic truncating variants have been reported; Missense variant in a gene in which most reported pathogenic variants are truncating/loss-of-function

Eurofins Ntd Llc (ga)
Classification: Uncertain significance. Last evaluated: 2017-05-04. Review status: criteria provided, single submitter. Criteria: EGL Classification Definitions 2015. Collection method: clinical testing. Allele origin: germline. Observed: 1 variant allele, 1 heterozygote.

NM_001267550.2(TTN):c.77047A>G (p.Ile25683Val)

Genes: TTN (titin; minus strand), TTN-AS1 (TTN antisense RNA 1; plus strand). Cytogenetic location: 2q31.2.
Variant type: single nucleotide variant.
Coding change: c.77047A>G on transcript NM_001267550.2 (MANE Select); coding-DNA position 77047, A replaced by G.
Protein change: p.Ile25683Val; replaces isoleucine 25683 with valine.
Molecular consequence: missense variant.
Genome position (GRCh38, 1-based): chr2:178,569,085, T>C on the plus strand (A>G on the coding strand, the complement: TTN is on the minus strand). VCF-style: chr2-178569085-T-C. GRCh37 (hg19) VCF-style: chr2-179433812-T-C.
Other names: p.Ile24042Val; c.72124A>G, p.Ile24042Val (NM_001256850.1); c.49852A>G, p.Ile16618Val (NM_003319.4); c.69343A>G, p.Ile23115Val (NM_133378.4); c.50227A>G, p.Ile16743Val (NM_133432.3); c.50428A>G, p.Ile16810Val (NM_133437.4); short protein forms I23115V, I25683V, I24042V, I16618V, I16810V, I16743V.
Identifiers: ClinVar variation 501791 (VCV000501791.13), dbSNP rs375611562, ClinGen allele CA1989828.